The following is an entry in ClinVar:

ClinVar aggregate classification (germline): Uncertain significance. Review status: criteria provided, multiple submitters, no conflicts (2 of 4 stars). 3 submissions from 3 submitters: Uncertain significance (3). Last evaluated 2024-06-12.

Conditions:
Hereditary cancer-predisposing syndrome. Also called: Hereditary neoplastic syndrome; Neoplastic Syndromes, Hereditary; Tumor predisposition; Hereditary Cancer Syndrome. Identifiers: Orphanet 140162, MedGen C0027672, MeSH D009386, MONDO:0015356.
Familial adenomatous polyposis 1 (FAP1). Also called: POLYPOSIS, ADENOMATOUS INTESTINAL; FAMILIAL ADENOMATOUS POLYPOSIS 1, ATTENUATED. Identifiers: MedGen C2713442, MONDO:0021056, OMIM 175100. Disease mechanism: loss of function.

Submissions (3):

Color Diagnostics, LLC DBA Color Health
Classification: Uncertain significance for Hereditary cancer-predisposing syndrome. Last evaluated: 2024-06-12. Review status: criteria provided, single submitter. Criteria: ACMG Guidelines, 2015. Collection method: clinical testing. Allele origin: germline.
Comment: This missense variant replaces serine with threonine at codon 1737 of the APC protein. Computational prediction suggests that this variant may not impact protein structure and function (internally defined REVEL score threshold <= 0.5, PMID: 27666373). To our knowledge, functional studies have not been reported for this variant. This variant has not been reported in individuals affected with APC-related disorders in the literature. This variant has not been identified in the general population by the Genome Aggregation Database (gnomAD). The available evidence is insufficient to determine the role of this variant in disease conclusively. Therefore, this variant is classified as a Variant of Uncertain Significance.

Ambry Genetics
Classification: Uncertain significance for Hereditary cancer-predisposing syndrome. Last evaluated: 2024-05-29. Review status: criteria provided, single submitter. Criteria: Ambry Variant Classification Scheme 2023. Collection method: clinical testing. Allele origin: germline.
Comment: The p.S1737T variant (also known as c.5210G>C), located in coding exon 15 of the APC gene, results from a G to C substitution at nucleotide position 5210. The serine at codon 1737 is replaced by threonine, an amino acid with similar properties. This amino acid position is well conserved in available vertebrate species. In addition, in silico predictors for this gene do not accurately predict pathogenicity. Missense alterations in APC are not a common cause of disease (Spier I et al. Genet Med. 2024 Feb;26(2):100992). Based on the available evidence, the clinical significance of this variant remains unclear.

Labcorp Genetics (formerly Invitae), Labcorp
Classification: Uncertain significance for Familial adenomatous polyposis 1. Last evaluated: 2023-11-10. Review status: criteria provided, single submitter. Criteria: Invitae Variant Classification Sherloc (09022015). Collection method: clinical testing. Allele origin: germline.
Comment: This sequence change replaces serine, which is neutral and polar, with threonine, which is neutral and polar, at codon 1737 of the APC protein (p.Ser1737Thr). This variant is not present in population databases (gnomAD no frequency). This variant has not been reported in the literature in individuals affected with APC-related conditions. ClinVar contains an entry for this variant (Variation ID: 2050613). Advanced modeling of protein sequence and biophysical properties (such as structural, functional, and spatial information, amino acid conservation, physicochemical variation, residue mobility, and thermodynamic stability) performed at Invitae indicates that this missense variant is not expected to disrupt APC protein function with a negative predictive value of 95%. In summary, the available evidence is currently insufficient to determine the role of this variant in disease. Therefore, it has been classified as a Variant of Uncertain Significance.

NM_000038.6(APC):c.5210G>C (p.Ser1737Thr)

Gene: APC (APC regulator of Wnt signaling pathway; plus strand). Cytogenetic location: 5q22.2.
Variant type: single nucleotide variant.
Coding change: c.5210G>C on transcript NM_000038.6 (MANE Select); coding-DNA position 5210, G replaced by C.
Protein change: p.Ser1737Thr; replaces serine 1737 with threonine.
Molecular consequence: missense variant.
Genome position (GRCh38, 1-based): chr5:112,840,804, G>C. VCF-style: chr5-112840804-G-C. GRCh37 (hg19) VCF-style: chr5-112176501-G-C.
Other names: c.5210G>C (NM_000038.5); c.5210G>C, p.Ser1737Thr (NM_001127510.3, NM_001354895.2, NM_001407450.1); c.5156G>C, p.Ser1719Thr (NM_001127511.3); c.5264G>C, p.Ser1755Thr (NM_001354896.2, NM_001407447.1, NM_001407448.1 and 1 more transcripts); c.5240G>C, p.Ser1747Thr (NM_001354897.2); c.5135G>C, p.Ser1712Thr (NM_001354898.2); c.5126G>C, p.Ser1709Thr (NM_001354899.2); c.5087G>C, p.Ser1696Thr (NM_001354900.2); and 12 more; short protein forms S1608T, S1611T, S1737T, S1765T, S1454T, S1654T, S1712T, S1353T.
Identifiers: ClinVar variation 2050613 (VCV002050613.6), dbSNP rs1765879843, ClinGen allele CA16032720.